The following is an entry in ClinVar:

ClinVar aggregate classification (germline): Uncertain significance (1 of 4 stars; one submission).

gnomAD v4.1: 3 of 1,208,473 alleles (0.00025%); highest among the groups gnomAD compares: Non-Finnish European, 0.00034%; no homozygotes.

Submission:

Labcorp Genetics (formerly Invitae), Labcorp
Classification: Uncertain significance. Last evaluated: 2025-06-10. Review status: criteria provided, single submitter. Criteria: Invitae Variant Classification Sherloc (09022015). Collection method: clinical testing. Allele origin: germline.
Comment: This sequence change replaces alanine, which is neutral and non-polar, with valine, which is neutral and non-polar, at codon 704 of the NEXMIF protein (p.Ala704Val). This variant is present in population databases (no rsID available, gnomAD 0.001%). This variant has not been reported in the literature in individuals affected with NEXMIF-related conditions. An algorithm developed to predict the effect of missense changes on protein structure and function outputs the following: PolyPhen-2: "Benign". The valine amino acid residue is found in multiple mammalian species, which suggests that this missense change does not adversely affect protein function. In summary, the available evidence is currently insufficient to determine the role of this variant in disease. Therefore, it has been classified as a Variant of Uncertain Significance.

NM_001008537.3(NEXMIF):c.2111C>T (p.Ala704Val)

Gene: NEXMIF (neurite extension and migration factor; minus strand). Cytogenetic location: Xq13.3.
Variant type: single nucleotide variant.
Coding change: c.2111C>T on transcript NM_001008537.3 (MANE Select); coding-DNA position 2111, C replaced by T.
Protein change: p.Ala704Val; replaces alanine 704 with valine.
Molecular consequence: missense variant.
Genome position (GRCh38, 1-based): chrX:74,742,446, G>A on the plus strand (C>T on the coding strand, the complement: NEXMIF is on the minus strand). VCF-style: chrX-74742446-G-A. GRCh37 (hg19) VCF-style: chrX-73962281-G-A.
Other names: short protein forms A704V.
Identifiers: ClinVar variation 4708172 (VCV004708172.1).